The following is an entry in ClinVar:

ClinVar aggregate classification (germline): Uncertain significance (1 of 4 stars; one submission).

Conditions:
Charcot-Marie-Tooth disease type 4. Also called: Charcot-Marie-Tooth disease, type IV; Charcot-Marie-Tooth, Type 4. Identifiers: Orphanet 64749, MedGen C4082197, MONDO:0018995.

Allele frequency attached by ClinVar (database versions not stated): ExAC 0.00002; gnomAD 0.00002 and 0.00003; TOPMed 0.00003.

Submission:

Labcorp Genetics (formerly Invitae), Labcorp
Classification: Uncertain significance for Charcot-Marie-Tooth disease type 4. Last evaluated: 2021-08-28. Review status: criteria provided, single submitter. Criteria: Invitae Variant Classification Sherloc (09022015). Collection method: clinical testing. Allele origin: germline.
Comment: This sequence change replaces glutamine with leucine at codon 699 of the SH3TC2 protein (p.Gln699Leu). The glutamine residue is highly conserved and there is a moderate physicochemical difference between glutamine and leucine. This variant is present in population databases (rs747615941, ExAC 0.01%). This variant has not been reported in the literature in individuals affected with SH3TC2-related conditions. Algorithms developed to predict the effect of missense changes on protein structure and function are either unavailable or do not agree on the potential impact of this missense change (SIFT: "Deleterious"; PolyPhen-2: "Benign"; Align-GVGD: "Class C0"). In summary, the available evidence is currently insufficient to determine the role of this variant in disease. Therefore, it has been classified as a Variant of Uncertain Significance.

NM_024577.4(SH3TC2):c.2096A>T (p.Gln699Leu)

Gene: SH3TC2 (SH3 domain and tetratricopeptide repeats 2; minus strand). Cytogenetic location: 5q32.
Variant type: single nucleotide variant.
Coding change: c.2096A>T on transcript NM_024577.4 (MANE Select); coding-DNA position 2096, A replaced by T.
Protein change: p.Gln699Leu; replaces glutamine 699 with leucine.
Molecular consequence: missense variant.
Genome position (GRCh38, 1-based): chr5:149,027,636, T>A on the plus strand (A>T on the coding strand, the complement: SH3TC2 is on the minus strand). VCF-style: chr5-149027636-T-A. GRCh37 (hg19) VCF-style: chr5-148407199-T-A.
Other names: short protein forms Q699L.
Identifiers: ClinVar variation 942201 (VCV000942201.7), dbSNP rs747615941, ClinGen allele CA3499061.
Genomic context (GRCh38, chr5:149,027,636, plus strand): 5'-GTTGTGTTCTGGAGGACAAGGTGGACCTGCCAAATAGGAAGAGACATCCCTTGGGCACTC[T>A]GGATACCATGTTGCTGGACAGAGGCCACTGCAAGGTGTGGAAGATATTTCTTGTCATACA-3'
Protein context (NP_078853.2, residues 689-709): AVASVQQHGI[Gln699Leu]SAQGMSLPIW